The following is an entry in ClinVar:

NM_007259.5(VPS45):c.1442G>A (p.Arg481Lys)

Gene: VPS45 (vacuolar protein sorting 45 homolog; plus strand). Cytogenetic location: 1q21.2.
Variant type: single nucleotide variant.
Coding change: c.1442G>A on transcript NM_007259.5 (MANE Select); coding-DNA position 1442, G replaced by A.
Protein change: p.Arg481Lys; replaces arginine 481 with lysine.
Molecular consequence: missense variant. On other transcripts: non-coding transcript variant (1).
Genome position (GRCh38, 1-based): chr1:150,093,597, G>A. VCF-style: chr1-150093597-G-A. GRCh37 (hg19) VCF-style: chr1-150065693-G-A.
Other names: c.1127G>A, p.Arg376Lys (NM_001279353.2); c.1334G>A, p.Arg445Lys (NM_001279354.2); c.1442G>A (NM_007259.3); short protein forms R481K, R376K, R445K.
Identifiers: ClinVar variation 541272 (VCV000541272.12), dbSNP rs151292369, ClinGen allele CA1073408.

ClinVar aggregate classification (germline): Conflicting classifications of pathogenicity. Review status: criteria provided, conflicting classifications (1 of 4 stars). 3 submissions from 3 submitters: Uncertain significance (1); Likely benign (1). 1 of the submissions does not count toward it. Last evaluated 2025-09-22.

Conditions:
Inborn genetic diseases. Identifiers: MedGen C0950123, MeSH D030342.
Congenital neutropenia-myelofibrosis-nephromegaly syndrome. Also called: Severe congenital neutropenia 5, autosomal recessive. Identifiers: Orphanet 369852, MedGen C3809031, MONDO:0014118, OMIM 615285.

Allele frequency attached by ClinVar (database versions not stated): gnomAD exomes 0.00003 and 0.00001; ExAC 0.00004; gnomAD 0.00013 and 0.00014; ESP Exome Variant Server 0.00015; TOPMed 0.00023.
gnomAD v4.1: 34 of 1,613,770 alleles (0.0021%); highest among the groups gnomAD compares: African/African-American, 0.04%; no homozygotes.

Submissions (3):

Ambry Genetics
Classification: Likely benign for Inborn genetic diseases. Last evaluated: 2025-09-22. Review status: criteria provided, single submitter. Criteria: Ambry Variant Classification Scheme 2023. Collection method: clinical testing. Allele origin: germline.

Labcorp Genetics (formerly Invitae), Labcorp
Classification: Uncertain significance for Congenital neutropenia-myelofibrosis-nephromegaly syndrome. Last evaluated: 2022-05-20. Review status: criteria provided, single submitter. Criteria: Invitae Variant Classification Sherloc (09022015). Collection method: clinical testing. Allele origin: germline.
Comment: This sequence change replaces arginine, which is basic and polar, with lysine, which is basic and polar, at codon 481 of the VPS45 protein (p.Arg481Lys). This variant is present in population databases (rs151292369, gnomAD 0.04%). This variant has not been reported in the literature in individuals affected with VPS45-related conditions. ClinVar contains an entry for this variant (Variation ID: 541272). Algorithms developed to predict the effect of missense changes on protein structure and function output the following: SIFT: "Tolerated"; PolyPhen-2: "Benign"; Align-GVGD: "Class C0". The lysine amino acid residue is found in multiple mammalian species, which suggests that this missense change does not adversely affect protein function. In summary, the available evidence is currently insufficient to determine the role of this variant in disease. Therefore, it has been classified as a Variant of Uncertain Significance.

Natera, Inc.
Classification: Uncertain significance for Autosomal recessive severe congenital neutropenia 5. Last evaluated: 2020-11-10. Review status: no assertion criteria provided. Collection method: clinical testing. Allele origin: germline. Not counted in ClinVar's aggregate classification.